The following is an entry in ClinVar:

ClinVar aggregate classification (germline): Benign. Review status: criteria provided, multiple submitters, no conflicts (2 of 4 stars). 3 submissions from 3 submitters: Benign (3). Last evaluated 2023-11-12.

Allele frequency attached by ClinVar (database versions not stated): gnomAD 0.17342 and 0.17416; ExAC 0.18587; 1000 Genomes Project 30x 0.14022; gnomAD exomes 0.18618 and 0.22873; 1000 Genomes Project 0.14397; ESP Exome Variant Server 0.18122; TOPMed 0.16920.
gnomAD v4.1: 353,251 of 1,584,134 alleles (22%); highest among the groups gnomAD compares: East Asian, 26%; 42,401 homozygotes.

Submissions (3):

Unidad de Genómica Garrahan, Hospital de Pediatría Garrahan
Classification: Benign. Last evaluated: 2023-11-12. Review status: criteria provided, single submitter. Criteria: ACMG Guidelines, 2015. Collection method: clinical testing. Allele origin: germline. Affected: no. Observed: 30 variant alleles.
Comment: This variant is classified as Benign based on local population frequency. This variant was detected in 31% of patients studied by a panel of primary immunodeficiencies. Number of patients: 30. Only high quality variants are reported.

GeneDx
Classification: Benign. Last evaluated: 2021-06-19. Review status: criteria provided, single submitter. Criteria: GeneDx Variant Classification Process June 2021. Collection method: clinical testing. Allele origin: germline. Affected: yes.

Breakthrough Genomics
Classification: Benign. Review status: criteria provided, single submitter. Criteria: ACMG Guidelines, 2015. Collection method: not provided. Allele origin: germline. Inheritance: Autosomal recessive inheritance. Affected: yes.

NM_001364905.1(LRBA):c.7630+31G>A

Gene: LRBA (LPS responsive beige-like anchor protein; minus strand). Cytogenetic location: 4q31.3.
Variant type: single nucleotide variant.
Coding change: c.7630+31G>A on transcript NM_001364905.1 (MANE Select); 31 bases into the intron after coding-DNA position 7630, G replaced by A.
Molecular consequence: intron variant.
Genome position (GRCh38, 1-based): chr4:150,321,160, C>T on the plus strand (G>A on the coding strand, the complement: LRBA is on the minus strand). VCF-style: chr4-150321160-C-T. GRCh37 (hg19) VCF-style: chr4-151242312-C-T.
Other names: c.7645+31G>A (NM_001367550.1, NM_001440431.1); c.7663+31G>A (NM_006726.5); c.7630+31G>A (NM_001199282.3); c.7678+31G>A (NM_001440430.1); c.1348+31G>A (NM_001440432.1); c.1342+31G>A (NM_001440433.1).
Identifiers: ClinVar variation 1280628 (VCV001280628.4), dbSNP rs11737450, ClinGen allele CA3101592.